The following is an entry in ClinVar:

ClinVar aggregate classification (germline): Benign/Likely benign. Review status: criteria provided, multiple submitters, no conflicts (2 of 4 stars). 7 submissions from 7 submitters: Benign (3); Likely benign (3). 1 of the submissions does not count toward it. Last evaluated 2026-09-01.

Conditions:
NEDD4L-related disorder. Also called: NEDD4L-related condition.
Periventricular nodular heterotopia 7 (PVNH7). Identifiers: MedGen C4310669, MONDO:0014966, OMIM 617201.

Allele frequency attached by ClinVar (database versions not stated): 1000 Genomes Project 0.00120; 1000 Genomes Project 30x 0.00172; TOPMed 0.00313; gnomAD 0.00341 and 0.00354; ESP Exome Variant Server 0.00404; ExAC 0.00412.
gnomAD v4.1: 7,399 of 1,613,978 alleles (0.46%); highest among the groups gnomAD compares: Middle Eastern, 1%; 32 homozygotes.

Submissions (7):

CeGaT Center for Human Genetics Tuebingen
Classification: Likely benign. Last evaluated: 2026-09-01. Review status: criteria provided, single submitter. Criteria: CeGaT Center For Human Genetics Tuebingen Variant Classification Criteria Version 2. Collection method: clinical testing. Allele origin: germline. Affected: yes. Observed: 23 variant alleles.
Comment: NEDD4L: BS2

Labcorp Genetics (formerly Invitae), Labcorp
Classification: Benign. Last evaluated: 2026-02-02. Review status: criteria provided, single submitter. Criteria: Invitae Variant Classification Sherloc (09022015). Collection method: clinical testing. Allele origin: germline.

Blueprint Genetics
Classification: Likely benign. Last evaluated: 2024-11-28. Review status: criteria provided, single submitter. Criteria: ACMG Guidelines, 2015. Collection method: clinical testing. Allele origin: germline.

Fulgent Genetics
Classification: Likely benign for Periventricular nodular heterotopia 7. Last evaluated: 2022-04-29. Review status: criteria provided, single submitter. Criteria: ACMG Guidelines, 2015. Collection method: clinical testing. Allele origin: unknown.

GeneDx
Classification: Benign. Last evaluated: 2018-10-17. Review status: criteria provided, single submitter. Criteria: GeneDx Variant Classification Process June 2021. Collection method: clinical testing. Allele origin: germline. Affected: yes.
Comment: This variant is associated with the following publications: (PMID: 27694961, 25542253, 17331106)

Breakthrough Genomics
Classification: Benign. Review status: criteria provided, single submitter. Criteria: ACMG Guidelines, 2015. Collection method: not provided. Allele origin: germline. Inheritance: Autosomal dominant inheritance. Affected: yes.

PreventionGenetics, part of Exact Sciences
Classification: Benign for NEDD4L-related condition. Last evaluated: 2019-03-18. Review status: no assertion criteria provided. Collection method: clinical testing. Allele origin: germline. Not counted in ClinVar's aggregate classification.
Comment: This variant is classified as benign based on ACMG/AMP sequence variant interpretation guidelines (Richards et al. 2015 PMID: 25741868, with internal and published modifications).

NM_001144967.3(NEDD4L):c.698C>T (p.Ser233Leu)

Gene: NEDD4L (NEDD4 like E3 ubiquitin protein ligase; plus strand). Cytogenetic location: 18q21.31.
Variant type: single nucleotide variant.
Coding change: c.698C>T on transcript NM_001144967.3 (MANE Select); coding-DNA position 698, C replaced by T.
Protein change: p.Ser233Leu; replaces serine 233 with leucine.
Molecular consequence: missense variant.
Genome position (GRCh38, 1-based): chr18:58,329,012, C>T. VCF-style: chr18-58329012-C-T. GRCh37 (hg19) VCF-style: chr18-55996244-C-T.
Other names: c.335C>T, p.Ser112Leu (NM_001144964.1, NM_001144965.2, NM_001144966.3 and 2 more transcripts); c.674C>T, p.Ser225Leu (NM_001144968.2, NM_001144969.2); c.698C>T, p.Ser233Leu (NM_001243960.2, NM_015277.6); short protein forms S233L, S225L, S112L.
Identifiers: ClinVar variation 417001 (VCV000417001.45), dbSNP rs202231187, ClinGen allele CA8975447.